The following is an entry in ClinVar:

NM_004656.4(BAP1):c.767T>C (p.Leu256Pro)

Gene: BAP1 (BRCA1 associated deubiquitinase 1; minus strand). Cytogenetic location: 3p21.1.
Variant type: single nucleotide variant.
Coding change: c.767T>C on transcript NM_004656.4 (MANE Select); coding-DNA position 767, T replaced by C.
Protein change: p.Leu256Pro; replaces leucine 256 with proline.
Molecular consequence: missense variant.
Genome position (GRCh38, 1-based): chr3:52,406,269, A>G on the plus strand (T>C on the coding strand, the complement: BAP1 is on the minus strand). VCF-style: chr3-52406269-A-G. GRCh37 (hg19) VCF-style: chr3-52440285-A-G.
Other names: c.713T>C, p.Leu238Pro (NM_001410772.1); short protein forms L238P, L256P.
Identifiers: ClinVar variation 4742155 (VCV004742155.1).

ClinVar aggregate classification (germline): Uncertain significance (1 of 4 stars; one submission).

Conditions:
BAP1-related tumor predisposition syndrome (TPDS1). Also called: TUMOR PREDISPOSITION SYNDROME 1; BAP1 tumor predisposition syndrome; Tumor susceptibility linked to germline BAP1 mutations; COMMON Syndrome. Identifiers: Orphanet 289539, MedGen C3280492, MONDO:0013692, OMIM 614327.

Submission:

Labcorp Genetics (formerly Invitae), Labcorp
Classification: Uncertain significance for BAP1-related tumor predisposition syndrome. Last evaluated: 2025-03-12. Review status: criteria provided, single submitter. Criteria: Invitae Variant Classification Sherloc (09022015). Collection method: clinical testing. Allele origin: germline.
Comment: This sequence change replaces leucine, which is neutral and non-polar, with proline, which is neutral and non-polar, at codon 256 of the BAP1 protein (p.Leu256Pro). This variant is not present in population databases (gnomAD no frequency). This variant has not been reported in the literature in individuals affected with BAP1-related conditions. Invitae Evidence Modeling of protein sequence and biophysical properties (such as structural, functional, and spatial information, amino acid conservation, physicochemical variation, residue mobility, and thermodynamic stability) indicates that this missense variant is not expected to disrupt BAP1 protein function with a negative predictive value of 80%. In summary, the available evidence is currently insufficient to determine the role of this variant in disease. Therefore, it has been classified as a Variant of Uncertain Significance.